The following is an entry in ClinVar:

ClinVar aggregate classification (germline): Uncertain significance (1 of 4 stars; one submission).

Conditions:
Cardiovascular phenotype. Identifiers: MedGen CN230736.

Submission:

Ambry Genetics
Classification: Uncertain significance for Cardiovascular phenotype. Last evaluated: 2025-08-05. Review status: criteria provided, single submitter. Criteria: Ambry Variant Classification Scheme 2023. Collection method: clinical testing. Allele origin: germline.
Comment: The p.P1395Q variant (also known as c.4184C>A), located in coding exon 32 of the RYR2 gene, results from a C to A substitution at nucleotide position 4184. The proline at codon 1395 is replaced by glutamine, an amino acid with similar properties. This amino acid position is highly conserved in available vertebrate species. In addition, the in silico prediction for this alteration is inconclusive. Based on the available evidence, the clinical significance of this variant remains unclear.

NM_001035.3(RYR2):c.4184C>A (p.Pro1395Gln)

Gene: RYR2 (ryanodine receptor 2; plus strand). Cytogenetic location: 1q43.
Variant type: single nucleotide variant.
Coding change: c.4184C>A on transcript NM_001035.3 (MANE Select); coding-DNA position 4184, C replaced by A.
Protein change: p.Pro1395Gln; replaces proline 1395 with glutamine.
Molecular consequence: missense variant.
Genome position (GRCh38, 1-based): chr1:237,591,762, C>A. VCF-style: chr1-237591762-C-A. GRCh37 (hg19) VCF-style: chr1-237755062-C-A.
Other names: short protein forms P1395Q.
Identifiers: ClinVar variation 4158436 (VCV004158436.1).
Genomic context (GRCh38, chr1:237,591,762, plus strand): 5'-TAATGTTGCTTATTGTTAGTCCTCTGAAATATTTCAGATTTTTGCTTAGAAGAACAAAGC[C>A]AGATTACAGCACAAGCCATTCTGCAAGACTCACCGAAGATGTCCTTGCTGATGATCGGGA-3'
Protein context (NP_001026.2, residues 1385-1405): KQRFLLRRTK[Pro1395Gln]DYSTSHSARL